The following is an entry in ClinVar:

ClinVar aggregate classification (germline): Conflicting classifications of pathogenicity. Review status: criteria provided, conflicting classifications (1 of 4 stars). 4 submissions from 4 submitters: Uncertain significance (3); Likely benign (1). Last evaluated 2025-01-01.

Conditions:
Epidermolysis bullosa simplex 5C, with pyloric atresia (EBS5C). Also called: PLEC-Related Epidermolysis Bullosa with Pyloric Atresia; Epidermolysis bullosa simplex with pyloric atresia; PLEC1-Related Epidermolysis Bullosa with Pyloric Atresia. Identifiers: Orphanet 158684, MedGen C2677349, MONDO:0012807, OMIM 612138.
Autosomal recessive limb-girdle muscular dystrophy type 2Q (LGMDR17). Also called: MUSCULAR DYSTROPHY, LIMB-GIRDLE, AUTOSOMAL RECESSIVE 17. Identifiers: Orphanet 254361, MedGen C3150989, MONDO:0013390, OMIM 613723.
Epidermolysis bullosa simplex 5B, with muscular dystrophy (EBS5B). Also called: Epidermolysis bullosa simplex with muscular dystrophy; EPIDERMOLYSIS BULLOSA SIMPLEX AND LIMB-GIRDLE MUSCULAR DYSTROPHY. Identifiers: Orphanet 257, MedGen C2931072, MONDO:0009181, OMIM 226670.
Epidermolysis bullosa simplex, Ogna type (EBS5A). Also called: Pidermolysis bullosa simplex 5A, Ogna type; EPIDERMOLYSIS BULLOSA SIMPLEX 5A, OGNA TYPE. Identifiers: Orphanet 79401, MedGen C0432317, MONDO:0007555, OMIM 131950.
Epidermolysis bullosa simplex with nail dystrophy (EBS5D). Identifiers: MedGen C4225309, MONDO:0014661, OMIM 616487.
Inborn genetic diseases. Identifiers: MedGen C0950123, MeSH D030342.

Allele frequency attached by ClinVar (database versions not stated): ExAC 0.00002; gnomAD 0.00006; TOPMed 0.00013; 1000 Genomes Project 30x 0.00016; 1000 Genomes Project 0.00020.
gnomAD v4.1: 31 of 1,607,604 alleles (0.0019%); highest among the groups gnomAD compares: African/African-American, 0.029%; no homozygotes.

Submissions (4):

Ambry Genetics
Classification: Uncertain significance for Inborn genetic diseases. Last evaluated: 2025-01-01. Review status: criteria provided, single submitter. Criteria: Ambry Variant Classification Scheme 2023. Collection method: clinical testing. Allele origin: germline.

Labcorp Genetics (formerly Invitae), Labcorp
Classification: Uncertain significance for Autosomal recessive limb-girdle muscular dystrophy type 2Q; Epidermolysis bullosa simplex, Ogna type; Epidermolysis bullosa simplex with nail dystrophy; Epidermolysis bullosa simplex 5C, with pyloric atresia; Epidermolysis bullosa simplex 5B, with muscular dystrophy. Last evaluated: 2024-10-10. Review status: criteria provided, single submitter. Criteria: Invitae Variant Classification Sherloc (09022015). Collection method: clinical testing. Allele origin: germline.
Comment: This sequence change replaces leucine, which is neutral and non-polar, with valine, which is neutral and non-polar, at codon 2184 of the PLEC protein (p.Leu2184Val). This variant is present in population databases (rs558775133, gnomAD 0.03%). This variant has not been reported in the literature in individuals affected with PLEC-related conditions. ClinVar contains an entry for this variant (Variation ID: 516477). An algorithm developed to predict the effect of missense changes on protein structure and function (PolyPhen-2) suggests that this variant is likely to be tolerated. In summary, the available evidence is currently insufficient to determine the role of this variant in disease. Therefore, it has been classified as a Variant of Uncertain Significance.

Revvity Omics, Revvity
Classification: Uncertain significance. Last evaluated: 2023-07-17. Review status: criteria provided, single submitter. Criteria: ACMG Guidelines, 2015. Collection method: clinical testing. Allele origin: germline.

GeneDx
Classification: Likely benign. Last evaluated: 2017-12-06. Review status: criteria provided, single submitter. Criteria: GeneDx Variant Classification (06012015). Collection method: clinical testing. Allele origin: germline. Affected: yes.
Comment: This variant is considered likely benign or benign based on one or more of the following criteria: it is a conservative change, it occurs at a poorly conserved position in the protein, it is predicted to be benign by multiple in silico algorithms, and/or has population frequency not consistent with disease.

NM_201384.3(PLEC):c.6469C>G (p.Leu2157Val)

Gene: PLEC (plectin; minus strand). Cytogenetic location: 8q24.3.
Variant type: single nucleotide variant.
Coding change: c.6469C>G on transcript NM_201384.3 (MANE Select); coding-DNA position 6469, C replaced by G.
Protein change: p.Leu2157Val; replaces leucine 2157 with valine.
Molecular consequence: missense variant.
Genome position (GRCh38, 1-based): chr8:143,923,460, G>C on the plus strand (C>G on the coding strand, the complement: PLEC is on the minus strand). VCF-style: chr8-143923460-G-C. GRCh37 (hg19) VCF-style: chr8-144997628-G-C.
Other names: c.6550C>G, p.Leu2184Val (NM_000445.5); c.6427C>G, p.Leu2143Val (NM_201378.4); c.6403C>G, p.Leu2135Val (NM_201379.3); c.6880C>G, p.Leu2294Val (NM_201380.4); c.6373C>G, p.Leu2125Val (NM_201381.3); c.6469C>G, p.Leu2157Val (NM_201382.4); c.6481C>G, p.Leu2161Val (NM_201383.3); short protein forms L2125V, L2135V, L2143V, L2157V, L2161V, L2184V, L2294V.
Identifiers: ClinVar variation 516477 (VCV000516477.12), dbSNP rs558775133, ClinGen allele CA4925977.